The following is an entry in ClinVar:

ClinVar aggregate classification (germline): Uncertain significance (1 of 4 stars; one submission).

gnomAD v4.1: 1 of 1,604,204 alleles (0.000062%); highest among the groups gnomAD compares: Non-Finnish European, 0.000085%; no homozygotes.

Submission:

Labcorp Genetics (formerly Invitae), Labcorp
Classification: Uncertain significance. Last evaluated: 2024-08-08. Review status: criteria provided, single submitter. Criteria: Invitae Variant Classification Sherloc (09022015). Collection method: clinical testing. Allele origin: germline.
Comment: This sequence change replaces glutamic acid, which is acidic and polar, with glutamine, which is neutral and polar, at codon 19 of the CTNNA1 protein (p.Glu19Gln). This variant is not present in population databases (gnomAD no frequency). This variant has not been reported in the literature in individuals affected with CTNNA1-related conditions. ClinVar contains an entry for this variant (Variation ID: 1354560). Advanced modeling of protein sequence and biophysical properties (such as structural, functional, and spatial information, amino acid conservation, physicochemical variation, residue mobility, and thermodynamic stability) performed at Invitae indicates that this missense variant is not expected to disrupt CTNNA1 protein function with a negative predictive value of 80%. In summary, the available evidence is currently insufficient to determine the role of this variant in disease. Therefore, it has been classified as a Variant of Uncertain Significance.

NM_001903.5(CTNNA1):c.55G>C (p.Glu19Gln)

Gene: CTNNA1 (catenin alpha 1; plus strand). Cytogenetic location: 5q31.2.
Variant type: single nucleotide variant.
Coding change: c.55G>C on transcript NM_001903.5 (MANE Select); coding-DNA position 55, G replaced by C.
Protein change: p.Glu19Gln; replaces glutamic acid 19 with glutamine.
Molecular consequence: missense variant. On other transcripts: 5 prime UTR variant (2).
Genome position (GRCh38, 1-based): chr5:138,781,979, G>C. VCF-style: chr5-138781979-G-C. GRCh37 (hg19) VCF-style: chr5-138117668-G-C.
Other names: c.55G>C, p.Glu19Gln (NM_001290307.3, NM_001323982.2, NM_001323983.1 and 3 more transcripts); c.-59G>C (NM_001290309.3); c.-152G>C (NM_001290310.3); short protein forms E19Q.
Identifiers: ClinVar variation 1354560 (VCV001354560.8), dbSNP rs2149651919, ClinGen allele CA361477138.